The following is an entry in ClinVar:

ClinVar aggregate classification (germline): Likely benign. Review status: criteria provided, multiple submitters, no conflicts (2 of 4 stars). 2 submissions from 2 submitters: Likely benign (2). Last evaluated 2026-05-04.

Conditions:
VPS13B-related disorder. Also called: VPS13B-related condition.
Cohen syndrome (COH1). Also called: PEPPER SYNDROME; Cutis verticis gyrata, retinitis pigmentosa, and sensorineural deafness. Identifiers: Orphanet 193, MedGen C0265223, MONDO:0008999, OMIM 216550.

Allele frequency attached by ClinVar (database versions not stated): gnomAD exomes below 0.00001 and 0.00001; ExAC 0.00001; gnomAD 0.00002; TOPMed 0.00002.
gnomAD v4.1: 4 of 1,613,738 alleles (0.00025%); highest among the groups gnomAD compares: African/African-American, 0.0053%; no homozygotes.

Submissions (2):

PreventionGenetics, part of Exact Sciences
Classification: Likely benign for VPS13B-related condition. Last evaluated: 2026-05-04. Review status: criteria provided, single submitter. Criteria: ACMG Guidelines, 2015. Collection method: clinical testing. Allele origin: germline.
Comment: This variant is classified as likely benign based on ACMG/AMP sequence variant interpretation guidelines (Richards et al. 2015 PMID: 25741868, with internal and published modifications).

Labcorp Genetics (formerly Invitae), Labcorp
Classification: Likely benign for Cohen syndrome. Last evaluated: 2023-08-07. Review status: criteria provided, single submitter. Criteria: Invitae Variant Classification Sherloc (09022015). Collection method: clinical testing. Allele origin: germline.

NM_152564.5(VPS13B):c.9588T>C (p.Asn3196=)

Gene: VPS13B (vacuolar protein sorting 13 homolog B; plus strand). Cytogenetic location: 8q22.2.
Variant type: single nucleotide variant.
Coding change: c.9588T>C on transcript NM_152564.5 (MANE Select); coding-DNA position 9588, T replaced by C.
Protein change: p.Asn3196=; no amino-acid change (asparagine 3196 retained).
Molecular consequence: synonymous variant.
Genome position (GRCh38, 1-based): chr8:99,832,626, T>C. VCF-style: chr8-99832626-T-C. GRCh37 (hg19) VCF-style: chr8-100844854-T-C.
Other names: c.9663T>C, p.Asn3221= (NM_017890.5); c.9588T>C (NM_152564.4).
Identifiers: ClinVar variation 1595773 (VCV001595773.9), dbSNP rs761906678, ClinGen allele CA4824730.